The following is an entry in ClinVar:

ClinVar aggregate classification (germline): Benign (1 of 4 stars; one submission).

Allele frequency attached by ClinVar (database versions not stated): ExAC 0.00008; 1000 Genomes Project 0.00919; gnomAD 0.01092; 1000 Genomes Project 30x 0.02342.
gnomAD v4.1: 18,922 of 1,515,410 alleles (1.2%); highest among the groups gnomAD compares: Non-Finnish European, 1.1%; 4,368 homozygotes.

Submission:

CeGaT Center for Human Genetics Tuebingen
Classification: Benign. Last evaluated: 2026-05-01. Review status: criteria provided, single submitter. Criteria: CeGaT Center For Human Genetics Tuebingen Variant Classification Criteria Version 2. Collection method: clinical testing. Allele origin: germline. Affected: yes. Observed: 4 variant alleles.
Comment: MUC5B: BP4, BS1, BS2

NM_002458.3(MUC5B):c.8501G>C (p.Arg2834Thr)

Genes: MUC5B (mucin 5B, oligomeric mucus/gel-forming; plus strand), MUC5B-AS1 (MUC5B antisense RNA 1; minus strand). Cytogenetic location: 11p15.5.
Variant type: single nucleotide variant.
Coding change: c.8501G>C on transcript NM_002458.3 (MANE Select); coding-DNA position 8501, G replaced by C.
Protein change: p.Arg2834Thr; replaces arginine 2834 with threonine.
Molecular consequence: missense variant.
Genome position (GRCh38, 1-based): chr11:1,245,381, G>C. VCF-style: chr11-1245381-G-C. GRCh37 (hg19) VCF-style: chr11-1266611-G-C.
Other names: short protein forms R2834T.
Identifiers: ClinVar variation 2641244 (VCV002641244.24), dbSNP rs183218730, ClinGen allele CA5806660.